The following is an entry in ClinVar:

ClinVar aggregate classification (germline): Uncertain significance. Review status: criteria provided, multiple submitters, no conflicts (2 of 4 stars). 6 submissions from 6 submitters: Uncertain significance (4). 2 of the submissions do not count toward it. Last evaluated 2025-07-24.

Conditions:
Cystic fibrosis (CF). Also called: MUCOVISCIDOSIS. Identifiers: Orphanet 586, MedGen C0010674, MONDO:0009061, OMIM 219700. Disease mechanism: loss of function.
CFTR-related disorder (CFTR-RD). Also called: CFTR-related condition; CFTR-related disorders. Identifiers: MedGen C5924204, MONDO:7770004.

Allele frequency attached by ClinVar (database versions not stated): TOPMed 0.00001; gnomAD exomes 0.00001; gnomAD 0.00001.
gnomAD v4.1: 5 of 1,613,700 alleles (0.00031%); highest among the groups gnomAD compares: South Asian, 0.0033%; no homozygotes.

Submissions (6):

ARUP Laboratories, Molecular Genetics and Genomics, ARUP Laboratories
Classification: Uncertain significance. Last evaluated: 2025-07-24. Review status: criteria provided, single submitter. Criteria: ARUP Molecular Germline Variant Investigation Process 2024. Collection method: clinical testing. Allele origin: germline.
Comment: The CFTR c.413T>C; p.Leu138Pro variant (rs1800078), to our knowledge, is not reported in the medical literature but is reported in ClinVar (Variation ID: 848508). This variant is only observed on three alleles in the Genome Aggregation Database (v2.1.1), indicating it is not a common polymorphism. Computational analyses predict that this variant is deleterious (REVEL: 0.723). Due to limited information, the clinical significance of this variant is uncertain at this time.

Ambry Genetics
Classification: Uncertain significance for Cystic fibrosis. Last evaluated: 2025-07-14. Review status: criteria provided, single submitter. Criteria: Ambry Variant Classification Scheme 2023. Collection method: clinical testing. Allele origin: germline.
Comment: The p.L138P variant (also known as c.413T>C), located in coding exon 4 of the CFTR gene, results from a T to C substitution at nucleotide position 413. The leucine at codon 138 is replaced by proline, an amino acid with similar properties. This amino acid position is well conserved in available vertebrate species. In addition, this alteration is predicted to be deleterious by in silico analysis. Based on the available evidence, the clinical significance of this variant remains unclear.

Labcorp Genetics (formerly Invitae), Labcorp
Classification: Uncertain significance for Cystic fibrosis. Last evaluated: 2025-06-23. Review status: criteria provided, single submitter. Criteria: Invitae Variant Classification Sherloc (09022015). Collection method: clinical testing. Allele origin: germline.
Comment: This sequence change replaces leucine, which is neutral and non-polar, with proline, which is neutral and non-polar, at codon 138 of the CFTR protein (p.Leu138Pro). This variant is present in population databases (rs1800078, gnomAD 0.003%). This variant has not been reported in the literature in individuals affected with CFTR-related conditions. ClinVar contains an entry for this variant (Variation ID: 848508). Invitae Evidence Modeling of protein sequence and biophysical properties (such as structural, functional, and spatial information, amino acid conservation, physicochemical variation, residue mobility, and thermodynamic stability) indicates that this missense variant is expected to disrupt CFTR protein function with a positive predictive value of 80%. In summary, the available evidence is currently insufficient to determine the role of this variant in disease. Therefore, it has been classified as a Variant of Uncertain Significance.

Quest Diagnostics Nichols Institute San Juan Capistrano
Classification: Uncertain significance. Last evaluated: 2023-08-03. Review status: criteria provided, single submitter. Criteria: Quest Diagnostics criteria. Collection method: clinical testing. Allele origin: unknown.
Comment: The CFTR c.413T>C (p.Leu138Pro) variant, to the best of our knowledge, has not been reported in the published literature. The frequency of this variant in the general population, 0.000011 (3/282144 chromosomes (Genome Aggregation Database)), is uninformative in the assessment of its pathogenicity. Analysis of this variant using bioinformatics tools for the prediction of the effect of amino acid changes on protein structure and function yielded predictions that this variant is damaging. Based on the available information, we are unable to determine the clinical significance of this variant.

Molecular Genetics Laboratory, BC Children's and BC Women's Hospitals
Classification: Uncertain significance for CFTR-related disorder. Last evaluated: 2022-02-23. Review status: no assertion criteria provided. Criteria: ACMG Guidelines, 2015. Collection method: clinical testing. Allele origin: germline. Affected: yes. Not counted in ClinVar's aggregate classification.

Natera, Inc.
Classification: Uncertain significance for CFTR-related disorders. Last evaluated: 2018-09-27. Review status: no assertion criteria provided. Collection method: clinical testing. Allele origin: germline. Not counted in ClinVar's aggregate classification.

NM_000492.4(CFTR):c.413T>C (p.Leu138Pro)

Gene: CFTR (CF transmembrane conductance regulator; plus strand). Cytogenetic location: 7q31.2.
Variant type: single nucleotide variant.
Coding change: c.413T>C on transcript NM_000492.4 (MANE Select); coding-DNA position 413, T replaced by C.
Protein change: p.Leu138Pro; replaces leucine 138 with proline.
Molecular consequence: missense variant.
Genome position (GRCh38, 1-based): chr7:117,531,038, T>C. VCF-style: chr7-117531038-T-C. GRCh37 (hg19) VCF-style: chr7-117171092-T-C.
Other names: short protein forms L138P.
Identifiers: ClinVar variation 848508 (VCV000848508.12), dbSNP rs1800078, ClinGen allele CA164943773.